The following is an entry in ClinVar:

NM_014915.3(ANKRD26):c.3811C>A (p.Gln1271Lys)

Gene: ANKRD26 (ankyrin repeat domain 26; minus strand). Cytogenetic location: 10p12.1.
Variant type: single nucleotide variant.
Coding change: c.3811C>A on transcript NM_014915.3 (MANE Select); coding-DNA position 3811, C replaced by A.
Protein change: p.Gln1271Lys; replaces glutamine 1271 with lysine.
Molecular consequence: missense variant.
Genome position (GRCh38, 1-based): chr10:27,029,353, G>T on the plus strand (C>A on the coding strand, the complement: ANKRD26 is on the minus strand). VCF-style: chr10-27029353-G-T. GRCh37 (hg19) VCF-style: chr10-27318282-G-T.
Other names: c.3808C>A, p.Gln1270Lys (NM_001256053.2); short protein forms Q1270K, Q1271K.
Identifiers: ClinVar variation 4842367 (VCV004842367.1).

ClinVar aggregate classification (germline): Uncertain significance (1 of 4 stars; one submission).

Conditions:
Inborn genetic diseases. Identifiers: MedGen C0950123, MeSH D030342.

gnomAD v4.1: 2 of 1,611,138 alleles (0.00012%); no homozygotes.

Submission:

Ambry Genetics
Classification: Uncertain significance for Inborn genetic diseases. Last evaluated: 2026-01-13. Review status: criteria provided, single submitter. Criteria: Ambry Variant Classification Scheme 2023. Collection method: clinical testing. Allele origin: germline.
Comment: The p.Q1271K variant (also known as c.3811C>A), located in coding exon 26 of the ANKRD26 gene, results from a C to A substitution at nucleotide position 3811. The glutamine at codon 1271 is replaced by lysine, an amino acid with similar properties. This amino acid position is conserved. In addition, this alteration is predicted to be tolerated by in silico analysis. Based on the available evidence, the clinical significance of this variant remains unclear.